The following is an entry in ClinVar:

ClinVar aggregate classification (germline): Uncertain significance. Review status: criteria provided, multiple submitters, no conflicts (2 of 4 stars). 2 submissions from 2 submitters: Uncertain significance (2). Last evaluated 2024-11-12.

Conditions:
Inborn genetic diseases. Identifiers: MedGen C0950123, MeSH D030342.

Allele frequency attached by ClinVar (database versions not stated): gnomAD exomes 0.00001 and 0.00004; ExAC 0.00007; gnomAD 0.00013 and 0.00014; TOPMed 0.00014; ESP Exome Variant Server 0.00023.

Submissions (2):

Ambry Genetics
Classification: Uncertain significance for Inborn genetic diseases. Last evaluated: 2024-11-12. Review status: criteria provided, single submitter. Criteria: Ambry Variant Classification Scheme 2023. Collection method: clinical testing. Allele origin: germline.

Labcorp Genetics (formerly Invitae), Labcorp
Classification: Uncertain significance. Last evaluated: 2022-06-20. Review status: criteria provided, single submitter. Criteria: Invitae Variant Classification Sherloc (09022015). Collection method: clinical testing. Allele origin: germline.
Comment: In summary, the available evidence is currently insufficient to determine the role of this variant in disease. Therefore, it has been classified as a Variant of Uncertain Significance. Algorithms developed to predict the effect of missense changes on protein structure and function are either unavailable or do not agree on the potential impact of this missense change (SIFT: "Deleterious"; PolyPhen-2: "Benign"; Align-GVGD: "Class C65"). This variant has not been reported in the literature in individuals affected with TNFRSF11B-related conditions. This variant is present in population databases (rs144062067, gnomAD 0.05%). This sequence change replaces leucine, which is neutral and non-polar, with proline, which is neutral and non-polar, at codon 29 of the TNFRSF11B protein (p.Leu29Pro).

NM_002546.4(TNFRSF11B):c.86T>C (p.Leu29Pro)

Gene: TNFRSF11B (TNF receptor superfamily member 11b; minus strand). Cytogenetic location: 8q24.12.
Variant type: single nucleotide variant.
Coding change: c.86T>C on transcript NM_002546.4 (MANE Select); coding-DNA position 86, T replaced by C.
Protein change: p.Leu29Pro; replaces leucine 29 with proline.
Molecular consequence: missense variant.
Genome position (GRCh38, 1-based): chr8:118,933,245, A>G on the plus strand (T>C on the coding strand, the complement: TNFRSF11B is on the minus strand). VCF-style: chr8-118933245-A-G. GRCh37 (hg19) VCF-style: chr8-119945484-A-G.
Other names: c.86T>C (NM_002546.3); short protein forms L29P.
Identifiers: ClinVar variation 1398083 (VCV001398083.10), dbSNP rs144062067, ClinGen allele CA4854986.